The following is an entry in ClinVar:

NM_001378454.1(ALMS1):c.9116C>T (p.Ser3039Leu)

Gene: ALMS1 (ALMS1 centrosome and basal body associated protein; plus strand). Cytogenetic location: 2p13.1.
Variant type: single nucleotide variant.
Coding change: c.9116C>T on transcript NM_001378454.1 (MANE Select); coding-DNA position 9116, C replaced by T.
Protein change: p.Ser3039Leu; replaces serine 3039 with leucine.
Molecular consequence: missense variant.
Genome position (GRCh38, 1-based): chr2:73,491,075, C>T. VCF-style: chr2-73491075-C-T. GRCh37 (hg19) VCF-style: chr2-73718202-C-T.
Other names: c.9119C>T, p.Ser3040Leu (NM_015120.4); short protein forms S3039L, S3040L.
Identifiers: ClinVar variation 1396651 (VCV001396651.3), dbSNP rs1672974629, ClinGen allele CA347273126.

ClinVar aggregate classification (germline): Uncertain significance (1 of 4 stars; one submission).

Conditions:
Alstrom syndrome (ALMS). Identifiers: Orphanet 64, MedGen C0268425, MONDO:0008763, OMIM 203800.

Submission:

Labcorp Genetics (formerly Invitae), Labcorp
Classification: Uncertain significance for Alstrom syndrome. Last evaluated: 2021-12-09. Review status: criteria provided, single submitter. Criteria: Invitae Variant Classification Sherloc (09022015). Collection method: clinical testing. Allele origin: germline.
Comment: This sequence change replaces serine, which is neutral and polar, with leucine, which is neutral and non-polar, at codon 3040 of the ALMS1 protein (p.Ser3040Leu). This variant is not present in population databases (gnomAD no frequency). This variant has not been reported in the literature in individuals affected with ALMS1-related conditions. Experimental studies and prediction algorithms are not available or were not evaluated, and the functional significance of this variant is currently unknown. In summary, the available evidence is currently insufficient to determine the role of this variant in disease. Therefore, it has been classified as a Variant of Uncertain Significance.